The following is an entry in ClinVar:

ClinVar aggregate classification (germline): Uncertain significance (1 of 4 stars; one submission).

Conditions:
Primary ciliary dyskinesia. Also called: Ciliary dyskinesia. Identifiers: Orphanet 244, MedGen C0008780, MONDO:0016575, HP:0012265.

Submission:

Labcorp Genetics (formerly Invitae), Labcorp
Classification: Uncertain significance for Primary ciliary dyskinesia. Last evaluated: 2021-11-02. Review status: criteria provided, single submitter. Criteria: Invitae Variant Classification Sherloc (09022015). Collection method: clinical testing. Allele origin: germline.
Comment: Algorithms developed to predict the effect of missense changes on protein structure and function are either unavailable or do not agree on the potential impact of this missense change (SIFT: "Deleterious"; PolyPhen-2: "Not Available"; Align-GVGD: "Class C0"). This sequence change replaces leucine, which is neutral and non-polar, with proline, which is neutral and non-polar, at codon 1901 of the DNAH8 protein (p.Leu1901Pro). This variant is not present in population databases (gnomAD no frequency). This variant has not been reported in the literature in individuals affected with DNAH8-related conditions. In summary, the available evidence is currently insufficient to determine the role of this variant in disease. Therefore, it has been classified as a Variant of Uncertain Significance.

NM_001206927.2(DNAH8):c.5702T>C (p.Leu1901Pro)

Gene: DNAH8 (dynein axonemal heavy chain 8; plus strand). Cytogenetic location: 6p21.2.
Variant type: single nucleotide variant.
Coding change: c.5702T>C on transcript NM_001206927.2 (MANE Select); coding-DNA position 5702, T replaced by C.
Protein change: p.Leu1901Pro; replaces leucine 1901 with proline.
Molecular consequence: missense variant.
Genome position (GRCh38, 1-based): chr6:38,853,316, T>C. VCF-style: chr6-38853316-T-C. GRCh37 (hg19) VCF-style: chr6-38821092-T-C.
Other names: c.5051T>C, p.Leu1684Pro (NM_001371.4); short protein forms L1684P, L1901P.
Identifiers: ClinVar variation 1517905 (VCV001517905.6), dbSNP rs2150392730, ClinGen allele CA364015684.